The following is an entry in ClinVar:

ClinVar aggregate classification (germline): Likely benign. Review status: criteria provided, single submitter (1 of 4 stars). 2 submissions from 2 submitters: Likely benign (1). 1 of the submissions does not count toward it. Last evaluated 2025-11-27.

Conditions:
Joubert syndrome. Also called: CEREBELLOPARENCHYMAL DISORDER IV; JOUBERT-BOLTSHAUSER SYNDROME; Familial aplasia of the vermis. Identifiers: Orphanet 475, MedGen C5979921, MONDO:0018772.
INPP5E-related disorder. Also called: INPP5E-related condition.

Allele frequency attached by ClinVar (database versions not stated): gnomAD 0.00001; gnomAD exomes 0.00001; TOPMed 0.00002; ExAC 0.00006.

Submissions (2):

Labcorp Genetics (formerly Invitae), Labcorp
Classification: Likely benign for Joubert syndrome. Last evaluated: 2025-11-27. Review status: criteria provided, single submitter. Criteria: Invitae Variant Classification Sherloc (09022015). Collection method: clinical testing. Allele origin: germline.

PreventionGenetics, part of Exact Sciences
Classification: Likely benign for INPP5E-related condition. Last evaluated: 2021-05-19. Review status: no assertion criteria provided. Collection method: clinical testing. Allele origin: germline. Not counted in ClinVar's aggregate classification.
Comment: This variant is classified as likely benign based on ACMG/AMP sequence variant interpretation guidelines (Richards et al. 2015 PMID: 25741868, with internal and published modifications).

NM_019892.6(INPP5E):c.1219T>C (p.Leu407=)

Gene: INPP5E (inositol polyphosphate-5-phosphatase E; minus strand). Cytogenetic location: 9q34.3.
Variant type: single nucleotide variant.
Coding change: c.1219T>C on transcript NM_019892.6 (MANE Select); coding-DNA position 1219, T replaced by C.
Protein change: p.Leu407=; no amino-acid change (leucine 407 retained).
Molecular consequence: synonymous variant.
Genome position (GRCh38, 1-based): chr9:136,433,016, A>G on the plus strand (T>C on the coding strand, the complement: INPP5E is on the minus strand). VCF-style: chr9-136433016-A-G. GRCh37 (hg19) VCF-style: chr9-139327468-A-G.
Other names: c.1219T>C, p.Leu407= (NM_001318502.2).
Identifiers: ClinVar variation 3030325 (VCV003030325.4), dbSNP rs372409943, ClinGen allele CA5336877.